The following is an entry in ClinVar:

NM_213599.3(ANO5):c.369G>A (p.Ser123=)

Gene: ANO5 (anoctamin 5; plus strand). Cytogenetic location: 11p14.3.
Variant type: single nucleotide variant.
Coding change: c.369G>A on transcript NM_213599.3 (MANE Select); coding-DNA position 369, G replaced by A.
Protein change: p.Ser123=; no amino-acid change (serine 123 retained).
Molecular consequence: synonymous variant.
Genome position (GRCh38, 1-based): chr11:22,227,307, G>A. VCF-style: chr11-22227307-G-A. GRCh37 (hg19) VCF-style: chr11-22248853-G-A.
Other names: c.366G>A, p.Ser122= (NM_001142649.2).
Identifiers: ClinVar variation 285474 (VCV000285474.27), dbSNP rs199888040, ClinGen allele CA5922917.
Genomic context (GRCh38, chr11:22,227,307, plus strand): 5'-TCAATAACAAACTGATCAGTAAGCTTTCTGCTGTTTTGCCTTTTTTTTAATGCAGGACTC[G>A]GAAGATGGAAGAACTTATTTTGTCAAGATCCATGCCCCTTGGGAGGTATTAGTTACCTAT-3'
Protein context (NP_998764.1, residues 113-133): LELEIEDKRD[Ser123=]EDGRTYFVKI

ClinVar aggregate classification (germline): Conflicting classifications of pathogenicity. Review status: criteria provided, conflicting classifications (1 of 4 stars). 5 submissions from 5 submitters: Uncertain significance (2); Likely benign (3). Last evaluated 2025-12-19.

Conditions:
Autosomal recessive limb-girdle muscular dystrophy type 2L (LGMDR12). Also called: Limb-girdle muscular dystrophy, type 2L; MUSCULAR DYSTROPHY, LIMB-GIRDLE, AUTOSOMAL RECESSIVE 12; Limb-Girdle Muscular Dystrophy R12 Anoctamin-5-Related (LGMD-R12). Identifiers: Orphanet 206549, MedGen C1969785, MONDO:0012652, OMIM 611307.
Gnathodiaphyseal dysplasia (GDD). Also called: GNATHODIAPHYSEAL SCLEROSIS; OSTEOGENESIS IMPERFECTA WITH UNUSUAL SKELETAL LESIONS. Identifiers: Orphanet 53697, MedGen C1833736, MONDO:0008151, OMIM 166260.
ANO5-Related Muscle Diseases. Identifiers: MedGen CN180644.

Allele frequency attached by ClinVar (database versions not stated): ExAC 0.00005; gnomAD exomes 0.00007 and 0.00017; gnomAD 0.00009; TOPMed 0.00011; 1000 Genomes Project 30x 0.00016; 1000 Genomes Project 0.00020.
gnomAD v4.1: 274 of 1,612,918 alleles (0.017%); highest among the groups gnomAD compares: Non-Finnish European, 0.02%; no homozygotes.

Submissions (5):

Labcorp Genetics (formerly Invitae), Labcorp
Classification: Likely benign for Autosomal recessive limb-girdle muscular dystrophy type 2L; Gnathodiaphyseal dysplasia. Last evaluated: 2025-12-19. Review status: criteria provided, single submitter. Criteria: Invitae Variant Classification Sherloc (09022015). Collection method: clinical testing. Allele origin: germline.

CeGaT Center for Human Genetics Tuebingen
Classification: Likely benign. Last evaluated: 2025-10-01. Review status: criteria provided, single submitter. Criteria: CeGaT Center For Human Genetics Tuebingen Variant Classification Criteria Version 2. Collection method: clinical testing. Allele origin: germline. Affected: yes. Observed: 1 variant allele.
Comment: ANO5: BP4, BP7

Blueprint Genetics
Classification: Likely benign. Last evaluated: 2024-09-24. Review status: criteria provided, single submitter. Criteria: ACMG Guidelines, 2015. Collection method: clinical testing. Allele origin: germline.

Illumina Laboratory Services, Illumina
Classification: Uncertain significance for ANO5-Related Muscle Diseases. Last evaluated: 2018-01-13. Review status: criteria provided, single submitter. Criteria: ICSL Variant Classification Criteria 13 December 2019. Collection method: clinical testing. Allele origin: germline.

Eurofins Ntd Llc (ga)
Classification: Uncertain significance. Last evaluated: 2016-01-26. Review status: criteria provided, single submitter. Criteria: EGL Classification Definitions 2015. Collection method: clinical testing. Allele origin: germline. Observed: 4 variant alleles, 4 heterozygotes.